The following is an entry in ClinVar:

NM_017780.4(CHD7):c.2775T>G (p.Asp925Glu)

Gene: CHD7 (chromodomain helicase DNA binding protein 7; plus strand). Cytogenetic location: 8q12.2.
Variant type: single nucleotide variant.
Coding change: c.2775T>G on transcript NM_017780.4 (MANE Select); coding-DNA position 2775, T replaced by G.
Protein change: p.Asp925Glu; replaces aspartic acid 925 with glutamic acid.
Molecular consequence: missense variant. On other transcripts: intron variant (1).
Genome position (GRCh38, 1-based): chr8:60,821,867, T>G. VCF-style: chr8-60821867-T-G. GRCh37 (hg19) VCF-style: chr8-61734426-T-G.
Other names: c.1717-40362T>G (NM_001316690.1); short protein forms D925E.
Identifiers: ClinVar variation 1468129 (VCV001468129.8), dbSNP rs749781431, ClinGen allele CA371307824.

ClinVar aggregate classification (germline): Uncertain significance (1 of 4 stars; one submission).

Conditions:
CHARGE syndrome (CHARGE). Also called: Coloboma, heart anomaly, choanal atresia, retardation, genital and ear anomalies; CHARGE association; Hall-Hittner syndrome; Hittner Hirsch Kreh syndrome; CHARGE ASSOCIATION--COLOBOMA, HEART ANOMALY, CHOANAL ATRESIA, RETARDATION, GENITAL AND EAR ANOMALIES. Identifiers: Orphanet 138, MedGen C0265354, MONDO:0008965.

Submission:

Labcorp Genetics (formerly Invitae), Labcorp
Classification: Uncertain significance for CHARGE syndrome. Last evaluated: 2021-05-26. Review status: criteria provided, single submitter. Criteria: Invitae Variant Classification Sherloc (09022015). Collection method: clinical testing. Allele origin: germline.
Comment: Advanced modeling of protein sequence and biophysical properties (such as structural, functional, and spatial information, amino acid conservation, physicochemical variation, residue mobility, and thermodynamic stability) performed at Invitae indicates that this missense variant is not expected to disrupt CHD7 protein function. This variant has not been reported in the literature in individuals with CHD7-related conditions. This variant is not present in population databases (ExAC no frequency). This sequence change replaces aspartic acid with glutamic acid at codon 925 of the CHD7 protein (p.Asp925Glu). The aspartic acid residue is highly conserved and there is a small physicochemical difference between aspartic acid and glutamic acid. In summary, the available evidence is currently insufficient to determine the role of this variant in disease. Therefore, it has been classified as a Variant of Uncertain Significance.